The following is an entry in ClinVar:

NM_003073.5(SMARCB1):c.629A>G (p.Glu210Gly)

Gene: SMARCB1 (SWI/SNF related BAF chromatin remodeling complex subunit B1; plus strand). Cytogenetic location: 22q11.23.
Variant type: single nucleotide variant.
Coding change: c.629A>G on transcript NM_003073.5 (MANE Select); coding-DNA position 629, A replaced by G.
Protein change: p.Glu210Gly; replaces glutamic acid 210 with glycine.
Molecular consequence: missense variant.
Genome position (GRCh38, 1-based): chr22:23,816,770, A>G. VCF-style: chr22-23816770-A-G. GRCh37 (hg19) VCF-style: chr22-24158957-A-G.
Other names: c.602A>G, p.Glu201Gly (NM_001007468.3); c.656A>G, p.Glu219Gly (NM_001317946.2); c.683A>G, p.Glu228Gly (NM_001362877.2); short protein forms E228G, E201G, E210G, E219G.
Identifiers: ClinVar variation 3446088 (VCV003446088.1).

ClinVar aggregate classification (germline): Uncertain significance (1 of 4 stars; one submission).

Conditions:
Hereditary cancer-predisposing syndrome. Also called: Tumor predisposition; Neoplastic Syndromes, Hereditary; Hereditary neoplastic syndrome; Hereditary Cancer Syndrome. Identifiers: Orphanet 140162, MedGen C0027672, MeSH D009386, MONDO:0015356.

Submission:

Ambry Genetics
Classification: Uncertain significance for Hereditary cancer-predisposing syndrome. Last evaluated: 2024-10-31. Review status: criteria provided, single submitter. Criteria: Ambry Variant Classification Scheme 2023. Collection method: clinical testing. Allele origin: germline.
Comment: The p.E210G variant (also known as c.629A>G) is located in coding exon 6 of the SMARCB1 gene. The glutamic acid at codon 210 is replaced by glycine, an amino acid with similar properties. This change occurs in the first base pair of coding exon 6. This amino acid position is conserved. In addition, this alteration is predicted to be deleterious by in silico analysis. Based on the available evidence, the clinical significance of this variant remains unclear.